The following is an entry in ClinVar:

ClinVar aggregate classification (germline): Uncertain significance (1 of 4 stars; one submission).

Submission:

Labcorp Genetics (formerly Invitae), Labcorp
Classification: Uncertain significance. Last evaluated: 2023-03-23. Review status: criteria provided, single submitter. Criteria: Invitae Variant Classification Sherloc (09022015). Collection method: clinical testing. Allele origin: germline.
Comment: This sequence change replaces alanine, which is neutral and non-polar, with serine, which is neutral and polar, at codon 232 of the CACNA2D4 protein (p.Ala232Ser). This variant is not present in population databases (gnomAD no frequency). This variant has not been reported in the literature in individuals affected with CACNA2D4-related conditions. ClinVar contains an entry for this variant (Variation ID: 939089). An algorithm developed to predict the effect of missense changes on protein structure and function (PolyPhen-2) suggests that this variant is likely to be tolerated. In summary, the available evidence is currently insufficient to determine the role of this variant in disease. Therefore, it has been classified as a Variant of Uncertain Significance.

NM_172364.5(CACNA2D4):c.694G>T (p.Ala232Ser)

Gene: CACNA2D4 (calcium voltage-gated channel auxiliary subunit alpha2delta 4; minus strand). Cytogenetic location: 12p13.33.
Variant type: single nucleotide variant.
Coding change: c.694G>T on transcript NM_172364.5 (MANE Select); coding-DNA position 694, G replaced by T.
Protein change: p.Ala232Ser; replaces alanine 232 with serine.
Molecular consequence: missense variant.
Genome position (GRCh38, 1-based): chr12:1,907,527, C>A on the plus strand (G>T on the coding strand, the complement: CACNA2D4 is on the minus strand). VCF-style: chr12-1907527-C-A. GRCh37 (hg19) VCF-style: chr12-2016693-C-A.
Other names: short protein forms A232S.
Identifiers: ClinVar variation 939089 (VCV000939089.9), dbSNP rs1866687975, ClinGen allele CA383363915.